The following is an entry in ClinVar:

NM_001018115.3(FANCD2):c.2854del (p.Thr952fs)

Genes: FANCD2 (FA complementation group D2; plus strand), LOC107303338 (3p25 FANCD2 Alu-mediated recombination region; plus strand). Cytogenetic location: 3p25.3.
Variant type: Deletion.
Coding change: c.2854del on transcript NM_001018115.3 (MANE Select); coding-DNA position 2854, one base deleted (A; older notation c.2854delA).
Protein change: p.Thr952fs; shifts the reading frame from threonine 952.
Molecular consequence: frameshift variant.
Genome position (GRCh38, 1-based): chr3:10,074,668, A deleted. VCF-style (leftmost placement, unchanged base first): chr3-10074667-CA-C. GRCh37 (hg19) VCF-style: chr3-10116351-CA-C.
Other names: c.2854del, p.Thr952fs (NM_001319984.2, NM_001374254.1, NM_033084.6); c.2743del, p.Thr915fs (NM_001374253.1); short protein forms T915fs, T952fs.
Identifiers: ClinVar variation 2826635 (VCV002826635.3), dbSNP rs2469997398, ClinGen allele CA2739277854.

ClinVar aggregate classification (germline): Pathogenic (1 of 4 stars; one submission).

Conditions:
Fanconi anemia (FA). Also called: Fanconi's anemia. Identifiers: Orphanet 84, MedGen C0015625, MeSH D005199, MONDO:0019391.

Submission:

Labcorp Genetics (formerly Invitae), Labcorp
Classification: Pathogenic for Fanconi anemia. Last evaluated: 2023-01-06. Review status: criteria provided, single submitter. Criteria: Invitae Variant Classification Sherloc (09022015). Collection method: clinical testing. Allele origin: germline.
Comment: For these reasons, this variant has been classified as Pathogenic. This variant has not been reported in the literature in individuals affected with FANCD2-related conditions. This variant is not present in population databases (gnomAD no frequency). This sequence change creates a premature translational stop signal (p.Thr952Leufs*29) in the FANCD2 gene. It is expected to result in an absent or disrupted protein product. Loss-of-function variants in FANCD2 are known to be pathogenic (PMID: 17436244).

Literature cited by the submitters: PubMed 17436244.